The following is an entry in ClinVar:

NM_022124.6(CDH23):c.7837C>T (p.Arg2613Cys)

Gene: CDH23 (cadherin related 23; plus strand). Cytogenetic location: 10q22.1.
Variant type: single nucleotide variant.
Coding change: c.7837C>T on transcript NM_022124.6 (MANE Select); coding-DNA position 7837, C replaced by T.
Protein change: p.Arg2613Cys; replaces arginine 2613 with cysteine.
Molecular consequence: missense variant.
Genome position (GRCh38, 1-based): chr10:71,803,385, C>T. VCF-style: chr10-71803385-C-T. GRCh37 (hg19) VCF-style: chr10-73563142-C-T.
Other names: c.1117C>T, p.Arg373Cys (NM_001171933.1, NM_001171934.1); c.7837C>T (NM_022124.5); short protein forms R373C, R2613C.
Identifiers: ClinVar variation 1431163 (VCV001431163.6), dbSNP rs759531384, ClinGen allele CA5546447.

ClinVar aggregate classification (germline): Uncertain significance. Review status: criteria provided, multiple submitters, no conflicts (2 of 4 stars). 2 submissions from 2 submitters: Uncertain significance (2). Last evaluated 2025-01-08.

Allele frequency attached by ClinVar (database versions not stated): gnomAD exomes 0.00001; gnomAD 0.00004 and 0.00005; TOPMed 0.00004; ExAC 0.00006.
gnomAD v4.1: 15 of 1,598,536 alleles (0.00094%); highest among the groups gnomAD compares: African/African-American, 0.0081%; no homozygotes.

Submissions (2):

GeneDx
Classification: Uncertain significance. Last evaluated: 2025-01-08. Review status: criteria provided, single submitter. Criteria: GeneDx Variant Classification Process June 2021. Collection method: clinical testing. Allele origin: germline. Affected: yes.
Comment: In silico analysis indicates that this missense variant does not alter protein structure/function; Has not been previously published as pathogenic or benign to our knowledge

Labcorp Genetics (formerly Invitae), Labcorp
Classification: Uncertain significance. Last evaluated: 2022-03-02. Review status: criteria provided, single submitter. Criteria: Invitae Variant Classification Sherloc (09022015). Collection method: clinical testing. Allele origin: germline.
Comment: This sequence change replaces arginine, which is basic and polar, with cysteine, which is neutral and slightly polar, at codon 2613 of the CDH23 protein (p.Arg2613Cys). The frequency data for this variant in the population databases is considered unreliable, as metrics indicate poor data quality at this position in the gnomAD database. This variant has not been reported in the literature in individuals affected with CDH23-related conditions. Algorithms developed to predict the effect of missense changes on protein structure and function are either unavailable or do not agree on the potential impact of this missense change (SIFT: "Deleterious"; PolyPhen-2: "Not Available"; Align-GVGD: "Class C0"). In summary, the available evidence is currently insufficient to determine the role of this variant in disease. Therefore, it has been classified as a Variant of Uncertain Significance.